The following is an entry in ClinVar:

ClinVar aggregate classification (germline): Benign/Likely benign. Review status: criteria provided, multiple submitters, no conflicts (2 of 4 stars). 5 submissions from 5 submitters: Benign (1); Likely benign (3). 1 of the submissions does not count toward it. Last evaluated 2025-04-10.

Conditions:
Hereditary cancer-predisposing syndrome. Also called: Neoplastic Syndromes, Hereditary; Hereditary Cancer Syndrome; Hereditary neoplastic syndrome; Tumor predisposition. Identifiers: Orphanet 140162, MedGen C0027672, MeSH D009386, MONDO:0015356.
TSC1-related disorder. Also called: TSC1-related condition.
Tuberous sclerosis syndrome (TSC). Also called: Tuberous Sclerosis Complex; Tuberous sclerosis. Identifiers: Orphanet 805, MedGen C0041341, MONDO:0001734.
Tuberous sclerosis 1 (TSC1). Identifiers: Orphanet 805, MedGen C1854465, MONDO:0008612, OMIM 191100.

Allele frequency attached by ClinVar (database versions not stated): gnomAD exomes below 0.00001.

Submissions (5):

Myriad Genetics, Inc.
Classification: Benign for Tuberous sclerosis 1. Last evaluated: 2025-04-10. Review status: criteria provided, single submitter. Criteria: Myriad Autosomal Dominant, Autosomal Recessive and X-Linked Classification Criteria (2023). Collection method: clinical testing. Allele origin: unknown.
Comment: This variant is considered benign. This variant is a silent/synonymous amino acid change and it is not expected to impact splicing.

Labcorp Genetics (formerly Invitae), Labcorp
Classification: Likely benign for Tuberous sclerosis 1. Last evaluated: 2024-12-28. Review status: criteria provided, single submitter. Criteria: Invitae Variant Classification Sherloc (09022015). Collection method: clinical testing. Allele origin: germline.

All of Us Research Program, National Institutes of Health
Classification: Likely benign for Tuberous sclerosis syndrome. Last evaluated: 2024-07-29. Review status: criteria provided, single submitter. Criteria: ACMG Guidelines, 2015. Collection method: clinical testing. Allele origin: germline. Inheritance: Autosomal dominant inheritance. Observed: 2 variant alleles, 2 heterozygotes.
Comment: This study involves interpretation of variants in research participants for the purpose of population health screening. Participant phenotype was not available at the time of variant classification. Additional details can be found in publication PMID: 35346344, PMCID: PMC8962531

Ambry Genetics
Classification: Likely benign for Hereditary cancer-predisposing syndrome. Last evaluated: 2022-06-04. Review status: criteria provided, single submitter. Criteria: Ambry Variant Classification Scheme 2023. Collection method: clinical testing. Allele origin: germline.

PreventionGenetics, part of Exact Sciences
Classification: Likely benign for TSC1-related condition. Last evaluated: 2021-06-01. Review status: no assertion criteria provided. Collection method: clinical testing. Allele origin: germline. Not counted in ClinVar's aggregate classification.
Comment: This variant is classified as likely benign based on ACMG/AMP sequence variant interpretation guidelines (Richards et al. 2015 PMID: 25741868, with internal and published modifications).

NM_000368.5(TSC1):c.1549C>A (p.Arg517=)

Gene: TSC1 (TSC complex subunit 1; minus strand). Cytogenetic location: 9q34.13.
Variant type: single nucleotide variant.
Coding change: c.1549C>A on transcript NM_000368.5 (MANE Select); coding-DNA position 1549, C replaced by A.
Protein change: p.Arg517=; no amino-acid change (arginine 517 retained).
Molecular consequence: synonymous variant.
Genome position (GRCh38, 1-based): chr9:132,906,029, G>T on the plus strand (C>A on the coding strand, the complement: TSC1 is on the minus strand). VCF-style: chr9-132906029-G-T. GRCh37 (hg19) VCF-style: chr9-135781416-G-T.
Other names: c.1186C>A, p.Arg396= (NM_001362177.2); c.1546C>A, p.Arg516= (NM_001162426.2); c.1396C>A, p.Arg466= (NM_001162427.2).
Identifiers: ClinVar variation 1159804 (VCV001159804.16), dbSNP rs1243886871, ClinGen allele CA467591054.